The following is an entry in ClinVar:

NM_022369.4(STRA6):c.878C>T (p.Pro293Leu)

Gene: STRA6 (signaling receptor and transporter of retinol STRA6; minus strand). Cytogenetic location: 15q24.1.
Variant type: single nucleotide variant.
Coding change: c.878C>T on transcript NM_022369.4 (MANE Select); coding-DNA position 878, C replaced by T.
Protein change: p.Pro293Leu; replaces proline 293 with leucine.
Molecular consequence: missense variant.
Genome position (GRCh38, 1-based): chr15:74,190,889, G>A on the plus strand (C>T on the coding strand, the complement: STRA6 is on the minus strand). VCF-style: chr15-74190889-G-A. GRCh37 (hg19) VCF-style: chr15-74483230-G-A.
Other names: c.878C>T (NM_022369.3); c.878C>T, p.Pro293Leu (NM_001142617.2, NM_001142618.2); c.851C>T, p.Pro284Leu (NM_001142619.2); c.989C>T, p.Pro330Leu (NM_001199040.2); c.923C>T, p.Pro308Leu (NM_001199041.2); c.995C>T, p.Pro332Leu (NM_001199042.2); short protein forms P293L, P330L, P332L, P308L, P284L.
Identifiers: ClinVar variation 1133 (VCV000001133.8), dbSNP rs118203958, ClinGen allele CA114785.
Genomic context (GRCh38, chr15:74,190,889, plus strand): 5'-GAGGGACATACCTGGTAAATGGCCGTCCCTGTCAGTGTAGCTGAAAGCACCAGCTTCAGC[G>A]GGAGATGGAATCCTGTAGTCCTCAAAGGAAGGAGTATGGTGAACAGCACCACTCAGGCCC-3'
Protein context (NP_071764.3, residues 283-303): IYTPQPGFHL[Pro293Leu]LKLVLSATLT

ClinVar aggregate classification (germline): Conflicting classifications of pathogenicity. Review status: criteria provided, conflicting classifications (1 of 4 stars). 3 submissions from 3 submitters: Likely pathogenic (1); Uncertain significance (1). 1 of the submissions does not count toward it. Last evaluated 2025-11-22.

Conditions:
Microphthalmia, syndromic 9. Also called: ANOPHTHALMIA, CLINICAL, WITH MILD FACIAL DYSMORPHISM AND VARIABLE MALFORMATIONS OF THE LUNG, HEART, AND DIAPHRAGM; ANOPHTHALMIA/MICROPHTHALMIA AND PULMONARY HYPOPLASIA; Matthew-Wood syndrome; PULMONARY AGENESIS, MICROPHTHALMIA, AND DIAPHRAGMATIC DEFECT; SPEAR SYNDROME. Identifiers: Orphanet 2470, MedGen C1832661, MONDO:0011010, OMIM 601186.

Allele frequency attached by ClinVar (database versions not stated): ExAC 0.00001; gnomAD 0.00001; gnomAD exomes below 0.00001; TOPMed 0.00001.
gnomAD v4.1: 9 of 1,613,930 alleles (0.00056%); highest among the groups gnomAD compares: South Asian, 0.0011%; no homozygotes.

Submissions (3):

Dasa
Classification: Uncertain significance. Last evaluated: 2025-11-22. Review status: criteria provided, single submitter. Criteria: DASA Assertion Criteria. Collection method: clinical testing. Allele origin: germline.
Comment: NM_022369.4(STRA6):c.878C>T (p.Pro293Leu) is a missense variant that results in the substitution of proline with leucine. This variant has been recurrently observed in individuals with STRA6-related disorders (PMID: 17273977; PMID: 28398665; PMID: 19309693; PMID: 18387951; PMID: 24884844). Also, this variant is rare in population databases. Computational prediction algorithms are consistent with a deleterious effect. The currently available literature and clinical evidence are not sufficient to establish a definitive association between this variant and the reported condition. Therefore, this variant is classified as a variant of uncertain significance.

GeneDx
Classification: Likely pathogenic. Last evaluated: 2024-09-03. Review status: criteria provided, single submitter. Criteria: GeneDx Variant Classification Process June 2021. Collection method: clinical testing. Allele origin: germline. Affected: yes.
Comment: Not observed at significant frequency in large population cohorts (gnomAD); In silico analysis supports that this missense variant has a deleterious effect on protein structure/function; This variant is associated with the following publications: (PMID: 17273977, 28398665, 37792875)

OMIM
Classification: Pathogenic for MICROPHTHALMIA, SYNDROMIC 9. Last evaluated: 2007-03-01. Review status: no assertion criteria provided. Collection method: literature only. Allele origin: germline. Not counted in ClinVar's aggregate classification.

Literature cited by the submitters: PubMed 17273977 (cited by Dasa and OMIM); PubMed 28398665 (cited by Dasa); PubMed 19309693 (cited by Dasa); PubMed 18387951 (cited by Dasa); PubMed 24884844 (cited by Dasa).